The following is an entry in ClinVar:

NM_013266.4(CTNNA3):c.2021C>A (p.Ala674Asp)

Gene: CTNNA3 (catenin alpha 3; minus strand). Cytogenetic location: 10q21.3.
Variant type: single nucleotide variant.
Coding change: c.2021C>A on transcript NM_013266.4 (MANE Select); coding-DNA position 2021, C replaced by A.
Protein change: p.Ala674Asp; replaces alanine 674 with aspartic acid.
Molecular consequence: missense variant.
Genome position (GRCh38, 1-based): chr10:66,069,446, G>T on the plus strand (C>A on the coding strand, the complement: CTNNA3 is on the minus strand). VCF-style: chr10-66069446-G-T. GRCh37 (hg19) VCF-style: chr10-67829204-G-T.
Other names: c.2021C>A, p.Ala674Asp (NM_001127384.3); short protein forms A674D.
Identifiers: ClinVar variation 1784563 (VCV001784563.2), dbSNP rs2493165382, ClinGen allele CA377089763.

ClinVar aggregate classification (germline): Uncertain significance (1 of 4 stars; one submission).

Submission:

Ambry Genetics
Classification: Uncertain significance. Last evaluated: 2021-12-02. Review status: criteria provided, single submitter. Criteria: Ambry Variant Classification Scheme 2023. Collection method: clinical testing. Allele origin: germline.
Comment: The p.A674D variant (also known as c.2021C>A), located in coding exon 14 of the CTNNA3 gene, results from a C to A substitution at nucleotide position 2021. The alanine at codon 674 is replaced by aspartic acid, an amino acid with dissimilar properties. This amino acid position is conserved. In addition, the in silico prediction for this alteration is inconclusive. Since supporting evidence is limited at this time, the clinical significance of this alteration remains unclear.